The following is an entry in ClinVar:

NM_001134831.2(AHI1):c.1643G>T (p.Arg548Leu)

Gene: AHI1 (Abelson helper integration site 1; minus strand). Cytogenetic location: 6q23.3.
Variant type: single nucleotide variant.
Coding change: c.1643G>T on transcript NM_001134831.2 (MANE Select); coding-DNA position 1643, G replaced by T.
Protein change: p.Arg548Leu; replaces arginine 548 with leucine.
Molecular consequence: missense variant.
Genome position (GRCh38, 1-based): chr6:135,447,144, C>A on the plus strand (G>T on the coding strand, the complement: AHI1 is on the minus strand). VCF-style: chr6-135447144-C-A. GRCh37 (hg19) VCF-style: chr6-135768282-C-A.
Other names: c.1643G>T, p.Arg548Leu (NM_001134830.2, NM_001134832.2, NM_001350503.2 and 2 more transcripts); short protein forms R548L.
Identifiers: ClinVar variation 2168276 (VCV002168276.1), dbSNP rs35433555, ClinGen allele CA365745007.
Genomic context (GRCh38, chr6:135,447,144, plus strand): 5'-TCATGGTGACGTTCACAATGCACTGGTTTACCTTTTTCCTCCTGAAGAGCCATCATAGAG[C>A]GGTAAGATGGCTTTATCTAAATATGCATTAAAATATGAAAATTTATATACCATGTTCACC-3'
Protein context (NP_001128303.1, residues 538-558): KVPDCIKPSY[Arg548Leu]SMMALQEEKG

ClinVar aggregate classification (germline): Uncertain significance (1 of 4 stars; one submission).

Conditions:
Joubert syndrome. Also called: CEREBELLOPARENCHYMAL DISORDER IV; JOUBERT-BOLTSHAUSER SYNDROME; Familial aplasia of the vermis. Identifiers: Orphanet 475, MedGen C5979921, MONDO:0018772.

Submission:

Labcorp Genetics (formerly Invitae), Labcorp
Classification: Uncertain significance for Joubert syndrome. Last evaluated: 2022-08-15. Review status: criteria provided, single submitter. Criteria: Invitae Variant Classification Sherloc (09022015). Collection method: clinical testing. Allele origin: germline.
Comment: This sequence change replaces arginine, which is basic and polar, with leucine, which is neutral and non-polar, at codon 548 of the AHI1 protein (p.Arg548Leu). This variant is not present in population databases (gnomAD no frequency). This variant has not been reported in the literature in individuals affected with AHI1-related conditions. Advanced modeling of protein sequence and biophysical properties (such as structural, functional, and spatial information, amino acid conservation, physicochemical variation, residue mobility, and thermodynamic stability) performed at Invitae indicates that this missense variant is not expected to disrupt AHI1 protein function. Algorithms developed to predict the effect of sequence changes on RNA splicing suggest that this variant may create or strengthen a splice site. In summary, the available evidence is currently insufficient to determine the role of this variant in disease. Therefore, it has been classified as a Variant of Uncertain Significance.